The following is an entry in ClinVar:

ClinVar aggregate classification (germline): Uncertain significance (1 of 4 stars; one submission).

Conditions:
Hereditary cancer-predisposing syndrome. Also called: Hereditary neoplastic syndrome; Tumor predisposition; Hereditary Cancer Syndrome; Neoplastic Syndromes, Hereditary. Identifiers: Orphanet 140162, MedGen C0027672, MeSH D009386, MONDO:0015356.

Submission:

Ambry Genetics
Classification: Uncertain significance for Hereditary cancer-predisposing syndrome. Last evaluated: 2023-09-13. Review status: criteria provided, single submitter. Criteria: Ambry Variant Classification Scheme 2023. Collection method: clinical testing. Allele origin: germline.
Comment: The p.P1213L variant (also known as c.3638C>T), located in coding exon 23 of the ALK gene, results from a C to T substitution at nucleotide position 3638. The proline at codon 1213 is replaced by leucine, an amino acid with similar properties. This amino acid position is conserved. In addition, the in silico prediction for this alteration is inconclusive. Since supporting evidence is limited at this time, the clinical significance of this alteration remains unclear.

NM_004304.5(ALK):c.3638C>T (p.Pro1213Leu)

Gene: ALK (ALK receptor tyrosine kinase; minus strand). Cytogenetic location: 2p23.2.
Variant type: single nucleotide variant.
Coding change: c.3638C>T on transcript NM_004304.5 (MANE Select); coding-DNA position 3638, C replaced by T.
Protein change: p.Pro1213Leu; replaces proline 1213 with leucine.
Molecular consequence: missense variant.
Genome position (GRCh38, 1-based): chr2:29,220,713, G>A on the plus strand (C>T on the coding strand, the complement: ALK is on the minus strand). VCF-style: chr2-29220713-G-A. GRCh37 (hg19) VCF-style: chr2-29443579-G-A.
Other names: c.434C>T, p.Pro145Leu (NM_001353765.2); short protein forms P1213L, P145L.
Identifiers: ClinVar variation 2586720 (VCV002586720.2), dbSNP rs2148166299, ClinGen allele CA346472958.